The following is an entry in ClinVar:

NM_001148.6(ANK2):c.1399G>T (p.Ala467Ser)

Gene: ANK2 (ankyrin 2; plus strand). Cytogenetic location: 4q26.
Variant type: single nucleotide variant.
Coding change: c.1399G>T on transcript NM_001148.6 (MANE Select); coding-DNA position 1399, G replaced by T.
Protein change: p.Ala467Ser; replaces alanine 467 with serine.
Molecular consequence: missense variant.
Genome position (GRCh38, 1-based): chr4:113,264,909, G>T. VCF-style: chr4-113264909-G-T. GRCh37 (hg19) VCF-style: chr4-114186065-G-T.
Other names: c.1336G>T, p.Ala446Ser (NM_001127493.3, NM_001354239.2, NM_001354256.2 and 14 more transcripts); c.1399G>T, p.Ala467Ser (NM_001354225.2, NM_001354228.2, NM_001354232.2 and 8 more transcripts); c.1444G>T, p.Ala482Ser (NM_001354230.2, NM_001354231.2, NM_001354237.2 and 5 more transcripts); c.1312G>T, p.Ala438Ser (NM_001354260.2, NM_001354264.2, NM_001354266.2 and 13 more transcripts); c.1357G>T, p.Ala453Ser (NM_001354261.2, NM_001386147.1, NM_001386160.1); c.1114G>T, p.Ala372Ser (NM_001354277.2, NM_001386157.1, NM_001386158.1); c.1387G>T, p.Ala463Ser (NM_001386148.2, NM_001386186.2); c.1450G>T, p.Ala484Ser (NM_001386174.1); and 4 more; short protein forms A467S, A446S, A482S, A372S, A438S, A397S, A401S, A453S.
Identifiers: ClinVar variation 406487 (VCV000406487.5), dbSNP rs1060501161, ClinGen allele CA16611566.

ClinVar aggregate classification (germline): Uncertain significance. Review status: criteria provided, multiple submitters, no conflicts (2 of 4 stars). 3 submissions from 3 submitters: Uncertain significance (3). Last evaluated 2025-05-06.

Conditions:
Cardiovascular phenotype. Identifiers: MedGen CN230736.
Long QT syndrome (LQTS). Identifiers: MedGen C0023976, MeSH D008133, MONDO:0002442. Disease mechanism: loss of function. Inheritance: Various modes of inheritance.

Allele frequency attached by ClinVar (database versions not stated): gnomAD exomes below 0.00001 and 0.00001; gnomAD 0.00001; TOPMed 0.00001.
gnomAD v4.1: 4 of 1,564,110 alleles (0.00026%); highest among the groups gnomAD compares: Non-Finnish European, 0.00035%; no homozygotes.

Submissions (3):

Ambry Genetics
Classification: Uncertain significance for Cardiovascular phenotype. Last evaluated: 2025-05-06. Review status: criteria provided, single submitter. Criteria: Ambry Variant Classification Scheme 2023. Collection method: clinical testing. Allele origin: germline.
Comment: The p.A467S variant (also known as c.1399G>T), located in coding exon 14 of the ANK2 gene, results from a G to T substitution at nucleotide position 1399. The alanine at codon 467 is replaced by serine, an amino acid with similar properties. This amino acid position is conserved. In addition, the in silico prediction for this alteration is inconclusive. Based on the available evidence, the clinical significance of this variant remains unclear.

GeneDx
Classification: Uncertain significance. Last evaluated: 2024-09-26. Review status: criteria provided, single submitter. Criteria: GeneDx Variant Classification Process June 2021. Collection method: clinical testing. Allele origin: germline. Affected: yes.
Comment: Not observed at significant frequency in large population cohorts (gnomAD); In silico analysis supports that this missense variant has a deleterious effect on protein structure/function; Has not been previously published as pathogenic or benign to our knowledge

Labcorp Genetics (formerly Invitae), Labcorp
Classification: Uncertain significance for Long QT syndrome. Last evaluated: 2022-11-20. Review status: criteria provided, single submitter. Criteria: Invitae Variant Classification Sherloc (09022015). Collection method: clinical testing. Allele origin: germline.
Comment: This sequence change replaces alanine, which is neutral and non-polar, with serine, which is neutral and polar, at codon 467 of the ANK2 protein (p.Ala467Ser). In summary, the available evidence is currently insufficient to determine the role of this variant in disease. Therefore, it has been classified as a Variant of Uncertain Significance. Advanced modeling of protein sequence and biophysical properties (such as structural, functional, and spatial information, amino acid conservation, physicochemical variation, residue mobility, and thermodynamic stability) has been performed at Invitae for this missense variant, however the output from this modeling did not meet the statistical confidence thresholds required to predict the impact of this variant on ANK2 protein function. ClinVar contains an entry for this variant (Variation ID: 406487). This variant has not been reported in the literature in individuals affected with ANK2-related conditions. The frequency data for this variant in the population databases is considered unreliable, as metrics indicate poor data quality at this position in the gnomAD database.